The following is an entry in ClinVar:

ClinVar aggregate classification (germline): Pathogenic (1 of 4 stars; one submission).

Submission:

GeneDx
Classification: Pathogenic. Last evaluated: 2026-02-03. Review status: criteria provided, single submitter. Criteria: GeneDx Variant Classification Process June 2021. Collection method: clinical testing. Allele origin: germline. Affected: yes.
Comment: Nonsense variant predicted to result in protein truncation, as the last 638 amino acid(s) are lost, and other loss-of-function variants have been reported downstream in HGMD; Not observed at significant frequency in large population cohorts (gnomAD); Has not been previously published as pathogenic or benign to our knowledge

NM_022841.7(RFX7):c.2468T>G (p.Leu823Ter)

Gene: RFX7 (regulatory factor X7; minus strand). Cytogenetic location: 15q21.3.
Variant type: single nucleotide variant.
Coding change: c.2468T>G on transcript NM_022841.7 (MANE Select); coding-DNA position 2468, T replaced by G.
Protein change: p.Leu823Ter; replaces leucine 823 with a stop codon.
Molecular consequence: nonsense.
Genome position (GRCh38, 1-based): chr15:56,095,260, A>C on the plus strand (T>G on the coding strand, the complement: RFX7 is on the minus strand). VCF-style: chr15-56095260-A-C. GRCh37 (hg19) VCF-style: chr15-56387458-A-C.
Other names: c.2177T>G, p.Leu726Ter (NM_001368073.2, NM_001368074.1, NM_001370554.1); c.2468T>G, p.Leu823Ter (NM_001370561.1); short protein forms L726*, L823*.
Identifiers: ClinVar variation 1313255 (VCV001313255.3), dbSNP rs764917109, ClinGen allele CA392579049.